The following is an entry in ClinVar:

NM_000053.4(ATP7B):c.388dup (p.Ala130fs)

Gene: ATP7B (ATPase copper transporting beta; minus strand). Cytogenetic location: 13q14.3.
Variant type: Duplication.
Coding change: c.388dup on transcript NM_000053.4 (MANE Select); coding-DNA position 388, one base duplicated (G; older notation c.388dupG).
Protein change: p.Ala130fs; shifts the reading frame from alanine 130.
Molecular consequence: frameshift variant.
Genome position (GRCh38, 1-based): chr13:51,974,832, C duplicated on the plus strand (G on the coding strand, the reverse complement: ATP7B is on the minus strand); the first of 2 consecutive C bases (chr13:51,974,832-51,974,833); duplicating either gives the same sequence. VCF-style (leftmost placement, unchanged base first): chr13-51974831-G-GC. GRCh37 (hg19) VCF-style: chr13-52548967-G-GC.
Other names: c.388dup, p.Ala130fs (NM_001005918.3, NM_001243182.2, NM_001330578.2 and 30 more transcripts); c.292dup, p.Ala98fs (NM_001406517.1, NM_001406518.1, NM_001406530.1 and 4 more transcripts); short protein forms A130fs, A98fs.
Identifiers: ClinVar variation 5012153 (VCV005012153.1).
Genomic context (GRCh38, chr13:51,974,831, plus strand): 5'-TCCACCCGGAGCTTGACCACAGCCTCCTGGGCAGGCAAGGACCTTGAGGGCCAGGAGGCT[G>GC]CCTTTCCTTCTGCAATGCTGGCCTCGAAGCCCATGTCCCCAATTTGATGGCAAACCTGTT-3'

ClinVar aggregate classification (germline): Pathogenic (1 of 4 stars; one submission).

Conditions:
Wilson disease (WND). Also called: Wilson's disease. Identifiers: Orphanet 905, MedGen C0019202, MONDO:0010200, OMIM 277900. Disease mechanism: loss of function.

Submission:

Myriad Genetics, Inc.
Classification: Pathogenic for Wilson disease. Last evaluated: 2023-09-27. Review status: criteria provided, single submitter. Criteria: Myriad Autosomal Dominant, Autosomal Recessive and X-Linked Classification Criteria (2023). Collection method: clinical testing. Allele origin: unknown.
Comment: NM_000053.3(ATP7B):c.388dupG(A130Gfs*33) is expected to be pathogenic in the context of Wilson disease. This variant is predicted to lead to an abnormal or absent protein product due to the creation of a premature termination codon in ATP7B, a gene where loss-of-function variants are known to be pathogenic. Please note: this variant was assessed in the context of healthy population screening.